The following is an entry in ClinVar:

ClinVar aggregate classification (germline): Uncertain significance (1 of 4 stars; one submission).

Conditions:
Atypical hemolytic-uremic syndrome. Identifiers: Orphanet 2134, MedGen C2931788, MONDO:0016244.

Submission:

Genomenon, Inc
Classification: Uncertain significance for Atypical hemolytic-uremic syndrome. Last evaluated: 2025-10-02. Review status: criteria provided, single submitter. Criteria: Genomenon Sequence Variant Interpretation Standards - Updated. Collection method: curation. Allele origin: germline. Affected: yes.
Comment: CFH p.Ser756Thr (c.2266T>A) is a missense variant that changes the amino acid at residue 756 from Serine to Threonine. This variant has been observed in at least one proband affected with atypical hemolytic-uremic syndrome (PMID:34482396). It is absent or not present at a significant frequency in gnomAD. In silico models agree that this variant is not damaging. In conclusion, we classify CFH p.Ser756Thr (c.2266T>A) as a variant of uncertain significance.

Literature cited by the submitters: PubMed 34482396.

NM_000186.4(CFH):c.2266T>A (p.Ser756Thr)

Gene: CFH (complement factor H; plus strand). Cytogenetic location: 1q31.3.
Variant type: single nucleotide variant.
Coding change: c.2266T>A on transcript NM_000186.4 (MANE Select); coding-DNA position 2266, T replaced by A.
Protein change: p.Ser756Thr; replaces serine 756 with threonine.
Molecular consequence: missense variant.
Genome position (GRCh38, 1-based): chr1:196,728,375, T>A. VCF-style: chr1-196728375-T-A. GRCh37 (hg19) VCF-style: chr1-196697505-T-A.
Other names: short protein forms S756T.
Identifiers: ClinVar variation 4291463 (VCV004291463.1).